The following is an entry in ClinVar:

NC_000010.11:g.133568329dup

Gene: SYCE1 (synaptonemal complex central element protein 1; minus strand). Cytogenetic location: 10q26.3.
Variant type: Duplication.
Genome position: GRCh38 VCF-style: chr10-133568326-G-GC. GRCh37 (hg19) VCF-style: chr10-135381830-G-GC.
Identifiers: ClinVar variation 2672423 (VCV002672423.23), dbSNP rs550676478, ClinGen allele CA5768482.
Genomic context (GRCh38, chr10:133,568,326, plus strand): 5'-TCCCGCGGCCCTTCTCCAGCCTGAGCCCGCCGCCCCGGCCGCAGCCACGCGCAGGGAGGA[G>GC]CCCGGGGCACCATAGCACAGCGCCGGCCTCACACACACCCTCGAGGCCCCTCTCGAGCCC-3'

ClinVar aggregate classification (germline): Likely benign (1 of 4 stars; one submission).

Submission:

CeGaT Center for Human Genetics Tuebingen
Classification: Likely benign. Last evaluated: 2023-11-01. Review status: criteria provided, single submitter. Criteria: CeGaT Center For Human Genetics Tuebingen Variant Classification Criteria Version 2. Collection method: clinical testing. Allele origin: germline. Affected: yes. Observed: 1 variant allele.
Comment: SYCE1: BS2